The following is an entry in ClinVar:

NM_004341.5(CAD):c.247G>A (p.Val83Ile)

Gene: CAD (carbamoyl-phosphate synthetase 2, aspartate transcarbamylase, and dihydroorotase; plus strand). Cytogenetic location: 2p23.3.
Variant type: single nucleotide variant.
Coding change: c.247G>A on transcript NM_004341.5 (MANE Select); coding-DNA position 247, G replaced by A.
Protein change: p.Val83Ile; replaces valine 83 with isoleucine.
Molecular consequence: missense variant.
Genome position (GRCh38, 1-based): chr2:27,221,242, G>A. VCF-style: chr2-27221242-G-A. GRCh37 (hg19) VCF-style: chr2-27444110-G-A.
Other names: c.247G>A, p.Val83Ile (NM_001306079.2); short protein forms V83I.
Identifiers: ClinVar variation 1384452 (VCV001384452.4), dbSNP rs185636734, ClinGen allele CA1572365.

ClinVar aggregate classification (germline): Uncertain significance (1 of 4 stars; one submission).

Allele frequency attached by ClinVar (database versions not stated): ExAC 0.00003; gnomAD exomes 0.00003; gnomAD 0.00005; TOPMed 0.00015; 1000 Genomes Project 0.00040; 1000 Genomes Project 30x 0.00062.
gnomAD v4.1: 24 of 1,567,814 alleles (0.0015%); highest among the groups gnomAD compares: Admixed American, 0.025%; no homozygotes.

Submission:

Labcorp Genetics (formerly Invitae), Labcorp
Classification: Uncertain significance. Last evaluated: 2025-01-07. Review status: criteria provided, single submitter. Criteria: Invitae Variant Classification Sherloc (09022015). Collection method: clinical testing. Allele origin: germline.
Comment: This sequence change replaces valine, which is neutral and non-polar, with isoleucine, which is neutral and non-polar, at codon 83 of the CAD protein (p.Val83Ile). The frequency data for this variant in the population databases is considered unreliable, as metrics indicate poor data quality at this position in the gnomAD database. This variant has not been reported in the literature in individuals affected with CAD-related conditions. ClinVar contains an entry for this variant (Variation ID: 1384452). Invitae Evidence Modeling of protein sequence and biophysical properties (such as structural, functional, and spatial information, amino acid conservation, physicochemical variation, residue mobility, and thermodynamic stability) indicates that this missense variant is not expected to disrupt CAD protein function with a negative predictive value of 80%. In summary, the available evidence is currently insufficient to determine the role of this variant in disease. Therefore, it has been classified as a Variant of Uncertain Significance.